The following is an entry in ClinVar:

NM_133497.4(KCNV2):c.721C>T (p.Pro241Ser)

Gene: KCNV2 (potassium voltage-gated channel modifier subfamily V member 2; plus strand). Cytogenetic location: 9p24.2.
Variant type: single nucleotide variant.
Coding change: c.721C>T on transcript NM_133497.4 (MANE Select); coding-DNA position 721, C replaced by T.
Protein change: p.Pro241Ser; replaces proline 241 with serine.
Molecular consequence: missense variant.
Genome position (GRCh38, 1-based): chr9:2,718,460, C>T. VCF-style: chr9-2718460-C-T. GRCh37 (hg19) VCF-style: chr9-2718460-C-T.
Other names: short protein forms P241S.
Identifiers: ClinVar variation 167210 (VCV000167210.8), dbSNP rs727503975, ClinGen allele CA234151.
Genomic context (GRCh38, chr9:2,718,460, plus strand): 5'-CGCGCGCAGGCGCAGGTCGAGGAGGCGGAGGAACTCTTCCGCGACATGCGCTTCTACGGC[C>T]CGCAGCGGCGCCGCCTCTGGAACCTCATGGAGAAGCCATTCTCCTCGGTGGCCGCCAAGG-3'
Protein context (NP_598004.1, residues 231-251): ELFRDMRFYG[Pro241Ser]QRRRLWNLME

ClinVar aggregate classification (germline): Uncertain significance. Review status: criteria provided, multiple submitters, no conflicts (2 of 4 stars). 2 submissions from 2 submitters: Uncertain significance (2). Last evaluated 2022-08-23.

Allele frequency attached by ClinVar (database versions not stated): gnomAD 0.00007 and 0.00008; TOPMed 0.00007; gnomAD exomes 0.00002.

Submissions (2):

Labcorp Genetics (formerly Invitae), Labcorp
Classification: Uncertain significance. Last evaluated: 2022-08-23. Review status: criteria provided, single submitter. Criteria: Invitae Variant Classification Sherloc (09022015). Collection method: clinical testing. Allele origin: germline.
Comment: This sequence change replaces proline, which is neutral and non-polar, with serine, which is neutral and polar, at codon 241 of the KCNV2 protein (p.Pro241Ser). This variant is present in population databases (rs727503975, gnomAD 0.04%). This variant has not been reported in the literature in individuals affected with KCNV2-related conditions. ClinVar contains an entry for this variant (Variation ID: 167210). Advanced modeling of protein sequence and biophysical properties (such as structural, functional, and spatial information, amino acid conservation, physicochemical variation, residue mobility, and thermodynamic stability) performed at Invitae indicates that this missense variant is not expected to disrupt KCNV2 protein function. In summary, the available evidence is currently insufficient to determine the role of this variant in disease. Therefore, it has been classified as a Variant of Uncertain Significance.

Eurofins Ntd Llc (ga)
Classification: Uncertain significance. Last evaluated: 2014-04-29. Review status: criteria provided, single submitter. Criteria: EGL Classification Definitions 2015. Collection method: clinical testing. Allele origin: germline. Observed: 1 variant allele, 1 heterozygote.